The following is an entry in ClinVar:

ClinVar aggregate classification (germline): Uncertain significance (1 of 4 stars; one submission).

Submission:

Labcorp Genetics (formerly Invitae), Labcorp
Classification: Uncertain significance. Last evaluated: 2025-12-03. Review status: criteria provided, single submitter. Criteria: Invitae Variant Classification Sherloc (09022015). Collection method: clinical testing. Allele origin: germline.
Comment: This sequence change replaces alanine, which is neutral and non-polar, with threonine, which is neutral and polar, at codon 90 of the GATA5 protein (p.Ala90Thr). This variant is not present in population databases (gnomAD no frequency). This variant has not been reported in the literature in individuals affected with GATA5-related conditions. Invitae Evidence Modeling of protein sequence and biophysical properties (such as structural, functional, and spatial information, amino acid conservation, physicochemical variation, residue mobility, and thermodynamic stability) indicates that this missense variant is not expected to disrupt GATA5 protein function with a negative predictive value of 80%. In summary, the available evidence is currently insufficient to determine the role of this variant in disease. Therefore, it has been classified as a Variant of Uncertain Significance.

NM_080473.5(GATA5):c.268G>A (p.Ala90Thr)

Gene: GATA5 (GATA binding protein 5; minus strand). Cytogenetic location: 20q13.33.
Variant type: single nucleotide variant.
Coding change: c.268G>A on transcript NM_080473.5 (MANE Select); coding-DNA position 268, G replaced by A.
Protein change: p.Ala90Thr; replaces alanine 90 with threonine.
Molecular consequence: missense variant.
Genome position (GRCh38, 1-based): chr20:62,475,254, C>T on the plus strand (G>A on the coding strand, the complement: GATA5 is on the minus strand). VCF-style: chr20-62475254-C-T. GRCh37 (hg19) VCF-style: chr20-61050310-C-T.
Other names: short protein forms A90T.
Identifiers: ClinVar variation 4766441 (VCV004766441.1).